The following is an entry in ClinVar:

NM_001111.5(ADAR):c.1960G>A (p.Ala654Thr)

Gene: ADAR (adenosine deaminase RNA specific; minus strand). Cytogenetic location: 1q21.3.
Variant type: single nucleotide variant.
Coding change: c.1960G>A on transcript NM_001111.5 (MANE Select); coding-DNA position 1960, G replaced by A.
Protein change: p.Ala654Thr; replaces alanine 654 with threonine.
Molecular consequence: missense variant.
Genome position (GRCh38, 1-based): chr1:154,597,242, C>T on the plus strand (G>A on the coding strand, the complement: ADAR is on the minus strand). VCF-style: chr1-154597242-C-T. GRCh37 (hg19) VCF-style: chr1-154569718-C-T.
Other names: c.1075G>A, p.Ala359Thr (NM_001025107.3, NM_001193495.2, NM_001365046.1 and 3 more transcripts); c.1987G>A, p.Ala663Thr (NM_001365045.1); c.1960G>A, p.Ala654Thr (NM_015840.4, NM_015841.4); c.1960G>A (NM_001111.4); short protein forms A359T, A654T, A663T.
Identifiers: ClinVar variation 1386880 (VCV001386880.9), dbSNP rs1203975739, ClinGen allele CA342638342.
Genomic context (GRCh38, chr1:154,597,242, plus strand): 5'-CTGCGGCCATCTGCTTTGCCACTTTCTTGCTGGGAGCACTCACACTGGGGAAAGTTTGGG[C>T]TCCCACTGCAACACAGTATTGGAACCTGACAGGAGATGAAGCACGTAGAAGGATTAAAAT-3'
Protein context (NP_001102.3, residues 644-664): PKFQYCVAVG[Ala654Thr]QTFPSVSAPS

ClinVar aggregate classification (germline): Uncertain significance. Review status: criteria provided, multiple submitters, no conflicts (2 of 4 stars). 2 submissions from 2 submitters: Uncertain significance (2). Last evaluated 2025-01-21.

Conditions:
Aicardi-Goutieres syndrome 6 (AGS6). Identifiers: Orphanet 51, MedGen C3539013, MONDO:0014007, OMIM 615010.
Symmetrical dyschromatosis of extremities (DSH). Also called: RETICULATE ACROPIGMENTATION OF DOHI; SYMMETRIC DYSCHROMATOSIS OF THE EXTREMITIES; DYSCHROMATOSIS SYMMETRICA HEREDITARIA 1; Dyschromatosis symmetrica hereditaria. Identifiers: Orphanet 41, MedGen C0406775, MONDO:0007483, OMIM 127400.
Inborn genetic diseases. Identifiers: MedGen C0950123, MeSH D030342.

Allele frequency attached by ClinVar (database versions not stated): gnomAD exomes below 0.00001; gnomAD 0.00001; TOPMed 0.00001.
gnomAD v4.1: 5 of 1,614,064 alleles (0.00031%); highest among the groups gnomAD compares: Admixed American, 0.0017%; no homozygotes.

Submissions (2):

Labcorp Genetics (formerly Invitae), Labcorp
Classification: Uncertain significance for Aicardi-Goutieres syndrome 6; Symmetrical dyschromatosis of extremities. Last evaluated: 2025-01-21. Review status: criteria provided, single submitter. Criteria: Invitae Variant Classification Sherloc (09022015). Collection method: clinical testing. Allele origin: germline.
Comment: This sequence change replaces alanine, which is neutral and non-polar, with threonine, which is neutral and polar, at codon 654 of the ADAR protein (p.Ala654Thr). The frequency data for this variant in the population databases is considered unreliable, as metrics indicate poor data quality at this position in the gnomAD database. This variant has not been reported in the literature in individuals affected with ADAR-related conditions. ClinVar contains an entry for this variant (Variation ID: 1386880). Invitae Evidence Modeling of protein sequence and biophysical properties (such as structural, functional, and spatial information, amino acid conservation, physicochemical variation, residue mobility, and thermodynamic stability) indicates that this missense variant is not expected to disrupt ADAR protein function with a negative predictive value of 80%. In summary, the available evidence is currently insufficient to determine the role of this variant in disease. Therefore, it has been classified as a Variant of Uncertain Significance.

Ambry Genetics
Classification: Uncertain significance for Inborn genetic diseases. Last evaluated: 2024-06-07. Review status: criteria provided, single submitter. Criteria: Ambry Variant Classification Scheme 2023. Collection method: clinical testing. Allele origin: germline.